The following is an entry in ClinVar:

NM_000441.2(SLC26A4):c.305-1G>C

Gene: SLC26A4 (solute carrier family 26 member 4; plus strand). Cytogenetic location: 7q22.3.
Variant type: single nucleotide variant.
Coding change: c.305-1G>C on transcript NM_000441.2 (MANE Select); the canonical splice acceptor site of the intron before coding-DNA position 305, G replaced by C.
Molecular consequence: splice acceptor variant.
Genome position (GRCh38, 1-based): chr7:107,672,137, G>C. VCF-style: chr7-107672137-G-C. GRCh37 (hg19) VCF-style: chr7-107312582-G-C.
Identifiers: ClinVar variation 1066167 (VCV001066167.7), dbSNP rs1243584839, ClinGen allele CA368846886.

ClinVar aggregate classification (germline): Likely pathogenic (1 of 4 stars; one submission).

Submission:

Labcorp Genetics (formerly Invitae), Labcorp
Classification: Likely pathogenic. Last evaluated: 2022-02-10. Review status: criteria provided, single submitter. Criteria: Invitae Variant Classification Sherloc (09022015). Collection method: clinical testing. Allele origin: germline.
Comment: This variant is not present in population databases (gnomAD no frequency). This sequence change affects an acceptor splice site in intron 3 of the SLC26A4 gene. It is expected to disrupt RNA splicing. Variants that disrupt the donor or acceptor splice site typically lead to a loss of protein function (PMID: 16199547), and loss-of-function variants in SLC26A4 are known to be pathogenic (PMID: 16283880, 25394566, 26252218, 26445815). This variant has not been reported in the literature in individuals affected with SLC26A4-related conditions. In summary, the currently available evidence indicates that the variant is pathogenic, but additional data are needed to prove that conclusively. Therefore, this variant has been classified as Likely Pathogenic. Algorithms developed to predict the effect of sequence changes on RNA splicing suggest that this variant may disrupt the consensus splice site. ClinVar contains an entry for this variant (Variation ID: 1066167).

Literature cited by the submitters: PubMed 16199547; PubMed 16283880; PubMed 25394566; PubMed 26252218; PubMed 26445815.